The following is an entry in ClinVar:

ClinVar aggregate classification (germline): Benign. Review status: criteria provided, multiple submitters, no conflicts (2 of 4 stars). 3 submissions from 3 submitters: Benign (3). Last evaluated 2026-01-31.

Conditions:
Fraser syndrome 2 (FRASRS2). Identifiers: MedGen C4540036, MONDO:0054738, OMIM 617666.

Allele frequency attached by ClinVar (database versions not stated): gnomAD exomes 0.00051 and 0.00137; ExAC 0.00167; gnomAD 0.00565 and 0.00597; TOPMed 0.00620; ESP Exome Variant Server 0.00661; 1000 Genomes Project 0.00679; 1000 Genomes Project 30x 0.00781.
gnomAD v4.1: 1,627 of 1,614,204 alleles (0.1%); highest among the groups gnomAD compares: African/African-American, 1.9%; 18 homozygotes.

Submissions (3):

Labcorp Genetics (formerly Invitae), Labcorp
Classification: Benign. Last evaluated: 2026-01-31. Review status: criteria provided, single submitter. Criteria: Invitae Variant Classification Sherloc (09022015). Collection method: clinical testing. Allele origin: germline.

Illumina Laboratory Services, Illumina
Classification: Benign for Fraser syndrome 2. Last evaluated: 2018-01-13. Review status: criteria provided, single submitter. Criteria: ICSL Variant Classification Criteria 13 December 2019. Collection method: clinical testing. Allele origin: germline.
Comment: This variant was observed in the ICSL laboratory as part of a predisposition screen in an ostensibly healthy population. It had not been previously curated by ICSL or reported in the Human Gene Mutation Database (HGMD: prior to June 1st, 2018), and was therefore a candidate for classification through an automated scoring system. Utilizing variant allele frequency, disease prevalence and penetrance estimates, and inheritance mode, an automated score was calculated to assess if this variant is too frequent to cause the disease. Based on the score and internal cut-off values, a variant classified as benign is not then subjected to further curation. The score for this variant resulted in a classification of benign for this disease.

Breakthrough Genomics
Classification: Benign. Review status: criteria provided, single submitter. Criteria: ACMG Guidelines, 2015. Collection method: not provided. Allele origin: germline. Inheritance: Autosomal recessive inheritance. Affected: yes.

NM_207361.6(FREM2):c.2978A>G (p.Glu993Gly)

Gene: FREM2 (FRAS1 related extracellular matrix 2; plus strand). Cytogenetic location: 13q13.3.
Variant type: single nucleotide variant.
Coding change: c.2978A>G on transcript NM_207361.6 (MANE Select); coding-DNA position 2978, A replaced by G.
Protein change: p.Glu993Gly; replaces glutamic acid 993 with glycine.
Molecular consequence: missense variant.
Genome position (GRCh38, 1-based): chr13:38,690,322, A>G. VCF-style: chr13-38690322-A-G. GRCh37 (hg19) VCF-style: chr13-39264459-A-G.
Other names: short protein forms E993G.
Identifiers: ClinVar variation 311961 (VCV000311961.16), dbSNP rs61742843, ClinGen allele CA6954705.